The following is an entry in ClinVar:

ClinVar aggregate classification (germline): Uncertain significance. Review status: criteria provided, multiple submitters, no conflicts (2 of 4 stars). 2 submissions from 2 submitters: Uncertain significance (2). Last evaluated 2026-03-10.

Conditions:
Inborn genetic diseases. Identifiers: MedGen C0950123, MeSH D030342.

Submissions (2):

Ambry Genetics
Classification: Uncertain significance for Inborn genetic diseases. Last evaluated: 2026-03-10. Review status: criteria provided, single submitter. Criteria: Ambry Variant Classification Scheme 2023. Collection method: clinical testing. Allele origin: germline.

Labcorp Genetics (formerly Invitae), Labcorp
Classification: Uncertain significance. Last evaluated: 2024-10-28. Review status: criteria provided, single submitter. Criteria: Invitae Variant Classification Sherloc (09022015). Collection method: clinical testing. Allele origin: germline.
Comment: This sequence change replaces glycine, which is neutral and non-polar, with aspartic acid, which is acidic and polar, at codon 1481 of the AHDC1 protein (p.Gly1481Asp). This variant is not present in population databases (gnomAD no frequency). This variant has not been reported in the literature in individuals affected with AHDC1-related conditions. An algorithm developed to predict the effect of missense changes on protein structure and function (PolyPhen-2) suggests that this variant is likely to be disruptive. In summary, the available evidence is currently insufficient to determine the role of this variant in disease. Therefore, it has been classified as a Variant of Uncertain Significance.

NM_001371928.1(AHDC1):c.4442G>A (p.Gly1481Asp)

Gene: AHDC1 (AT-hook DNA binding motif containing 1; minus strand). Cytogenetic location: 1p36.11.
Variant type: single nucleotide variant.
Coding change: c.4442G>A on transcript NM_001371928.1 (MANE Select); coding-DNA position 4442, G replaced by A.
Protein change: p.Gly1481Asp; replaces glycine 1481 with aspartic acid.
Molecular consequence: missense variant.
Genome position (GRCh38, 1-based): chr1:27,547,674, C>T on the plus strand (G>A on the coding strand, the complement: AHDC1 is on the minus strand). VCF-style: chr1-27547674-C-T. GRCh37 (hg19) VCF-style: chr1-27874185-C-T.
Other names: c.4442G>A, p.Gly1481Asp (NM_001029882.3); c.4442G>A (NM_001029882.2); short protein forms G1481D.
Identifiers: ClinVar variation 3723919 (VCV003723919.3).